The following is an entry in ClinVar:

NC_000009.12:g.35658028GCTTCACAGAGTAGTA[3]

Gene: RMRP (RNA component of mitochondrial RNA processing endoribonuclease; minus strand). Cytogenetic location: 9p13.3.
Variant type: Microsatellite.
Genome position: GRCh38, VCF-style position (the base before the change): chr9:35,658,026. GRCh37 (hg19), VCF-style position (the base before the change): chr9:35,658,023.
Identifiers: ClinVar variation 2825420 (VCV002825420.3), dbSNP rs1554651479, ClinGen allele CA2739269241.
Genomic context (GRCh38, chr9:35,658,026, plus strand): 5'-GAGGAACAGAGTCCTCAGTGTGTAGCCTAGGATACAGGCCTTCAGCACGAACCACGTCCT[C>CAGCTTCACAGAGTAGTAGCTTCACAGAGTAGT]AGCTTCACAGAGTAGTATTTTATAGCCCTAAAGAAATTGTGTTTTATGATTAGGGTGAGA-3'

ClinVar aggregate classification (germline): Pathogenic (1 of 4 stars; one submission).

Conditions:
Anauxetic dysplasia. Identifiers: Orphanet 93347, MedGen C1846796, MONDO:0011773.

Submission:

Labcorp Genetics (formerly Invitae), Labcorp
Classification: Pathogenic for Anauxetic dysplasia. Last evaluated: 2023-04-18. Review status: criteria provided, single submitter. Criteria: Invitae Variant Classification Sherloc (09022015). Collection method: clinical testing. Allele origin: germline.
Comment: For these reasons, this variant has been classified as Pathogenic. While functional studies for this variant have not been reported, experimental analyses using patient derived cells, as well as in vitro transfection studies, have shown that promoter insertions result in silencing of RMRP transcription and reduced expression of the gene product (PMID: 11207361, 16254002). While this particular variant has not been reported in the literature, it is located in the promoter region between the TATA box and the transcription initiation site, and other insertions and duplications immediately upstream of the coding sequence have been reported in individuals affected with cartilage-hair hypoplasia-anauxetic dysplasia (CHH-AD) spectrum disorders (PMID: 16244706, 11207361, 12107819). This variant is not present in population databases (gnomAD no frequency). This variant occurs in the RMRP gene, which encodes an RNA molecule that does not result in a protein product.

Literature cited by the submitters: PubMed 11207361; PubMed 16254002; PubMed 16244706; PubMed 12107819.